The following is an entry in ClinVar:

NM_014264.5(PLK4):c.1753C>T (p.Arg585Cys)

Gene: PLK4 (polo like kinase 4; plus strand). Cytogenetic location: 4q28.1.
Variant type: single nucleotide variant.
Coding change: c.1753C>T on transcript NM_014264.5 (MANE Select); coding-DNA position 1753, C replaced by T.
Protein change: p.Arg585Cys; replaces arginine 585 with cysteine.
Molecular consequence: missense variant.
Genome position (GRCh38, 1-based): chr4:127,890,159, C>T. VCF-style: chr4-127890159-C-T. GRCh37 (hg19) VCF-style: chr4-128811314-C-T.
Other names: c.1657C>T, p.Arg553Cys (NM_001190799.2); c.1630C>T, p.Arg544Cys (NM_001190801.2); short protein forms R544C, R553C, R585C.
Identifiers: ClinVar variation 1004446 (VCV001004446.3), dbSNP rs753915717, ClinGen allele CA3076835.

ClinVar aggregate classification (germline): Uncertain significance. Review status: criteria provided, multiple submitters, no conflicts (2 of 4 stars). 2 submissions from 2 submitters: Uncertain significance (2). Last evaluated 2022-07-19.

Allele frequency attached by ClinVar (database versions not stated): gnomAD 0.00001 and 0.00002; ExAC 0.00003; gnomAD exomes 0.00004; TOPMed 0.00005.
gnomAD v4.1: 36 of 1,613,562 alleles (0.0022%); highest among the groups gnomAD compares: South Asian, 0.0099%; 1 homozygote.

Submissions (2):

Labcorp Genetics (formerly Invitae), Labcorp
Classification: Uncertain significance. Last evaluated: 2022-07-19. Review status: criteria provided, single submitter. Criteria: Invitae Variant Classification Sherloc (09022015). Collection method: clinical testing. Allele origin: germline.
Comment: This sequence change replaces arginine, which is basic and polar, with cysteine, which is neutral and slightly polar, at codon 585 of the PLK4 protein (p.Arg585Cys). This variant is present in population databases (rs753915717, gnomAD 0.007%). This variant has not been reported in the literature in individuals affected with PLK4-related conditions. ClinVar contains an entry for this variant (Variation ID: 1004446). Algorithms developed to predict the effect of missense changes on protein structure and function output the following: SIFT: "Tolerated"; PolyPhen-2: "Benign"; Align-GVGD: "Class C0". The cysteine amino acid residue is found in multiple mammalian species, which suggests that this missense change does not adversely affect protein function. In summary, the available evidence is currently insufficient to determine the role of this variant in disease. Therefore, it has been classified as a Variant of Uncertain Significance.

Breakthrough Genomics
Classification: Uncertain significance. Review status: criteria provided, single submitter. Criteria: ACMG Guidelines, 2015. Collection method: not provided. Allele origin: germline. Inheritance: Autosomal recessive inheritance. Affected: yes.